The following is an entry in ClinVar:

NM_001318734.2(KLC2):c.494A>G (p.Asp165Gly)

Genes: KLC2 (kinesin light chain 2; plus strand), KLC2-AS1 (KLC2 antisense RNA 1; minus strand). Cytogenetic location: 11q13.2.
Variant type: single nucleotide variant.
Coding change: c.494A>G on transcript NM_001318734.2 (MANE Select); coding-DNA position 494, A replaced by G.
Protein change: p.Asp165Gly; replaces aspartic acid 165 with glycine.
Molecular consequence: missense variant.
Genome position (GRCh38, 1-based): chr11:66,262,157, A>G. VCF-style: chr11-66262157-A-G. GRCh37 (hg19) VCF-style: chr11-66029628-A-G.
Other names: c.263A>G, p.Asp88Gly (NM_001134774.2); c.494A>G, p.Asp165Gly (NM_001134775.2, NM_001134776.2, NM_022822.3); short protein forms D165G, D88G.
Identifiers: ClinVar variation 2974278 (VCV002974278.3), dbSNP rs762744349, ClinGen allele CA6117099.

ClinVar aggregate classification (germline): Uncertain significance (1 of 4 stars; one submission).

Allele frequency attached by ClinVar (database versions not stated): ExAC 0.00001; gnomAD 0.00001; gnomAD exomes 0.00001; TOPMed 0.00001.
gnomAD v4.1: 14 of 1,613,350 alleles (0.00087%); highest among the groups gnomAD compares: Non-Finnish European, 0.0011%; no homozygotes.

Submission:

Labcorp Genetics (formerly Invitae), Labcorp
Classification: Uncertain significance. Last evaluated: 2023-02-22. Review status: criteria provided, single submitter. Criteria: Invitae Variant Classification Sherloc (09022015). Collection method: clinical testing. Allele origin: germline.
Comment: In summary, the available evidence is currently insufficient to determine the role of this variant in disease. Therefore, it has been classified as a Variant of Uncertain Significance. An algorithm developed to predict the effect of missense changes on protein structure and function (PolyPhen-2) suggests that this variant is likely to be tolerated. This variant has not been reported in the literature in individuals affected with KLC2-related conditions. This variant is present in population databases (rs762744349, gnomAD 0.0009%). This sequence change replaces aspartic acid, which is acidic and polar, with glycine, which is neutral and non-polar, at codon 165 of the KLC2 protein (p.Asp165Gly).